The following is an entry in ClinVar:

NM_021625.5(TRPV4):c.549G>A (p.Glu183=)

Gene: TRPV4 (transient receptor potential cation channel subfamily V member 4; minus strand). Cytogenetic location: 12q24.11.
Variant type: single nucleotide variant.
Coding change: c.549G>A on transcript NM_021625.5 (MANE Select); coding-DNA position 549, G replaced by A.
Protein change: p.Glu183=; no amino-acid change (glutamic acid 183 retained).
Molecular consequence: synonymous variant.
Genome position (GRCh38, 1-based): chr12:109,808,306, C>T on the plus strand (G>A on the coding strand, the complement: TRPV4 is on the minus strand). VCF-style: chr12-109808306-C-T. GRCh37 (hg19) VCF-style: chr12-110246111-C-T.
Other names: p.Glu183=; c.549G>A, p.Glu183= (NM_001177428.2, NM_001177433.2, NM_147204.3); c.447G>A, p.Glu149= (NM_001177431.2).
Identifiers: ClinVar variation 307140 (VCV000307140.50), dbSNP rs141908793, ClinGen allele CA6780521.

ClinVar aggregate classification (germline): Benign/Likely benign. Review status: criteria provided, multiple submitters, no conflicts (2 of 4 stars). 15 submissions from 10 submitters: Benign (12); Likely benign (3). Last evaluated 2026-01-19.

Conditions:
Metatropic dysplasia (MTD). Also called: METATROPIC DWARFISM; Metatropic Dysplasia, TRPV4-Related; Metatropic dysplasia, nonlethal dominant. Identifiers: Orphanet 2635, MedGen C0265281, MONDO:0007986, OMIM 156530.
Inborn genetic diseases. Identifiers: MedGen C0950123, MeSH D030342.
Scapuloperoneal spinal muscular atrophy (SPSMA). Also called: Scapuloperoneal spinal muscular atrophy, autosomal dominant; Scapuloperoneal Spinal Muscular Atrophy, TRPV4-Related; AMYOTROPHY, NEUROGENIC SCAPULOPERONEAL, NEW ENGLAND TYPE; Scapuloperoneal Form of Spinal Muscular Atrophy. Identifiers: Orphanet 431255, MedGen C0751335, MONDO:0008408, OMIM 181405.
Charcot-Marie-Tooth disease axonal type 2C (HMSN2C). Also called: Charcot-Marie-Tooth Disease Type 2, TRPV4-Related (CMT2C); CHARCOT-MARIE-TOOTH DISEASE, AXONAL, AUTOSOMAL DOMINANT, TYPE 2C; Charcot-Marie-Tooth Neuropathy Type 2C. Identifiers: Orphanet 99937, MedGen C1853710, MONDO:0011633, OMIM 606071.
Brachyrachia (short spine dysplasia) (BCYM3). Also called: BRACHYRACHIA; Autosomal dominant brachyolmia; Brachyolmia, TRPV4-Related; Brachyolmia Type 3. Identifiers: Orphanet 93304, MedGen C0432227, MONDO:0007232, OMIM 113500.
Charcot-Marie-Tooth disease. Also called: Charcot-Marie-Tooth Neuropathy; Charcot-Marie-Tooth Hereditary Neuropathy. Identifiers: Orphanet 166, MedGen C0007959, MONDO:0015626.
Neuronopathy, distal hereditary motor, autosomal dominant 8. Also called: NEURONOPATHY, DISTAL HEREDITARY MOTOR, TYPE VIII; NEUROPATHY, DISTAL HEREDITARY MOTOR, TYPE VIII; SPINAL MUSCULAR ATROPHY, CONGENITAL BENIGN, WITH CONTRACTURES; Autosomal dominant congenital benign spinal muscular atrophy. Identifiers: Orphanet 1216, MedGen C1838492, MONDO:0010839, OMIM 600175.
Spondylometaphyseal dysplasia, Kozlowski type (SMDK). Also called: Dysmorphism arthrogryposis skeletal maturation advanced; Jequier-Kozlowski syndrome; Skeletal dysplasia Jequier-Kozlowski type; SMD Kozlowski type; Spondylometaphyseal Dysplasia, TRPV4-Related (Kozlowski Type). Identifiers: Orphanet 93314, MedGen C0265280, MONDO:0008477, OMIM 184252.
TRPV4-related disorder. Also called: TRPV4-related disorders; TRPV4-related condition.

Allele frequency attached by ClinVar (database versions not stated): ESP Exome Variant Server 0.00054; gnomAD 0.00058 and 0.00083; TOPMed 0.00066; gnomAD exomes 0.00217; 1000 Genomes Project 30x 0.00234; ExAC 0.00248; 1000 Genomes Project 0.00260.
gnomAD v4.1: 2,065 of 1,614,194 alleles (0.13%); highest among the groups gnomAD compares: South Asian, 1.2%; 21 homozygotes.

Submissions (15):

Labcorp Genetics (formerly Invitae), Labcorp
Classification: Benign for Charcot-Marie-Tooth disease axonal type 2C. Last evaluated: 2026-01-19. Review status: criteria provided, single submitter. Criteria: Invitae Variant Classification Sherloc (09022015). Collection method: clinical testing. Allele origin: germline.

PreventionGenetics, part of Exact Sciences
Classification: Benign for TRPV4-related condition. Last evaluated: 2025-08-12. Review status: criteria provided, single submitter. Criteria: ACMG Guidelines, 2015. Collection method: clinical testing. Allele origin: germline.
Comment: This variant is classified as benign based on ACMG/AMP sequence variant interpretation guidelines (Richards et al. 2015 PMID: 25741868, with internal and published modifications).

CeGaT Center for Human Genetics Tuebingen
Classification: Benign. Last evaluated: 2025-03-01. Review status: criteria provided, single submitter. Criteria: CeGaT Center For Human Genetics Tuebingen Variant Classification Criteria Version 2. Collection method: clinical testing. Allele origin: germline. Affected: yes. Observed: 6 variant alleles.
Comment: TRPV4: BP4, BP7, BS1, BS2

Mayo Clinic Laboratories, Mayo Clinic
Classification: Benign. Last evaluated: 2024-06-03. Review status: criteria provided, single submitter. Criteria: ACMG Guidelines, 2015. Collection method: clinical testing. Allele origin: germline. Observed: 3 variant alleles.
Comment: BS1, BS2, BP4, BP7

Athena Diagnostics
Classification: Benign. Last evaluated: 2021-05-03. Review status: criteria provided, single submitter. Criteria: Athena Diagnostics criteria. Collection method: clinical testing. Allele origin: unknown.

Ambry Genetics
Classification: Likely benign for Inborn genetic diseases. Last evaluated: 2019-07-11. Review status: criteria provided, single submitter. Criteria: Ambry Variant Classification Scheme 2023. Collection method: clinical testing. Allele origin: germline.

Illumina Laboratory Services, Illumina
Classification: Benign for Neuronopathy, distal hereditary motor, autosomal dominant 8. Last evaluated: 2018-01-13. Review status: criteria provided, single submitter. Criteria: ICSL Variant Classification Criteria 13 December 2019. Collection method: clinical testing. Allele origin: germline.
Comment: This variant was observed in the ICSL laboratory as part of a predisposition screen in an ostensibly healthy population. It had not been previously curated by ICSL or reported in the Human Gene Mutation Database (HGMD: prior to June 1st, 2018), and was therefore a candidate for classification through an automated scoring system. Utilizing variant allele frequency, disease prevalence and penetrance estimates, and inheritance mode, an automated score was calculated to assess if this variant is too frequent to cause the disease. Based on the score and internal cut-off values, a variant classified as benign is not then subjected to further curation. The score for this variant resulted in a classification of benign for this disease.

Illumina Laboratory Services, Illumina
Classification: Benign for Metatropic dysplasia. Last evaluated: 2018-01-13. Review status: criteria provided, single submitter. Criteria: ICSL Variant Classification Criteria 13 December 2019. Collection method: clinical testing. Allele origin: germline.
Comment: the same text as in the submission from Illumina Laboratory Services, Illumina above.

Illumina Laboratory Services, Illumina
Classification: Benign for Charcot-Marie-Tooth disease axonal type 2C. Last evaluated: 2018-01-13. Review status: criteria provided, single submitter. Criteria: ICSL Variant Classification Criteria 13 December 2019. Collection method: clinical testing. Allele origin: germline.
Comment: the same text as in the submission from Illumina Laboratory Services, Illumina above.

Illumina Laboratory Services, Illumina
Classification: Benign for Scapuloperoneal spinal muscular atrophy. Last evaluated: 2018-01-13. Review status: criteria provided, single submitter. Criteria: ICSL Variant Classification Criteria 13 December 2019. Collection method: clinical testing. Allele origin: germline.
Comment: the same text as in the submission from Illumina Laboratory Services, Illumina above.

Illumina Laboratory Services, Illumina
Classification: Benign for Brachyrachia (short spine dysplasia). Last evaluated: 2018-01-13. Review status: criteria provided, single submitter. Criteria: ICSL Variant Classification Criteria 13 December 2019. Collection method: clinical testing. Allele origin: germline.
Comment: the same text as in the submission from Illumina Laboratory Services, Illumina above.

Illumina Laboratory Services, Illumina
Classification: Benign for Spondylometaphyseal dysplasia, Kozlowski type. Last evaluated: 2018-01-13. Review status: criteria provided, single submitter. Criteria: ICSL Variant Classification Criteria 13 December 2019. Collection method: clinical testing. Allele origin: germline.
Comment: the same text as in the submission from Illumina Laboratory Services, Illumina above.

GeneDx
Classification: Benign. Last evaluated: 2015-05-26. Review status: criteria provided, single submitter. Criteria: GeneDx Variant Classification (06012015). Collection method: clinical testing. Allele origin: germline. Affected: yes.
Comment: This variant is considered likely benign or benign based on one or more of the following criteria: it is a conservative change, it occurs at a poorly conserved position in the protein, it is predicted to be benign by multiple in silico algorithms, and/or has population frequency not consistent with disease.

Breakthrough Genomics
Classification: Likely benign. Review status: criteria provided, single submitter. Criteria: ACMG Guidelines, 2015. Collection method: not provided. Allele origin: germline. Inheritance: Autosomal dominant inheritance. Affected: yes.

Molecular Genetics Laboratory, London Health Sciences Centre
Classification: Likely benign for Charcot-Marie-Tooth disease. Review status: criteria provided, single submitter. Criteria: ACMG Guidelines, 2015. Collection method: clinical testing. Allele origin: germline. Affected: yes.